The following is an entry in ClinVar:

ClinVar aggregate classification (germline): Likely benign. Review status: criteria provided, multiple submitters, no conflicts (2 of 4 stars). 4 submissions from 4 submitters: Likely benign (4). Last evaluated 2024-11-26.

Conditions:
MED12-Related Disorders. Also called: MED12-related disorder; MED12-related condition. Identifiers: MedGen CN381102.
FG syndrome (FGS). Identifiers: MedGen C0220769, MONDO:0002010.
Familial thoracic aortic aneurysm and aortic dissection (TAAD). Also called: Thoracic aortic aneurysms and dissections. Identifiers: Orphanet 91387, MedGen C4707243, MONDO:0019625.

Allele frequency attached by ClinVar (database versions not stated): gnomAD exomes below 0.00001 and 0.00001; TOPMed 0.00001; ExAC 0.00002; gnomAD 0.00002 and 0.00004; 1000 Genomes Project 0.00053; 1000 Genomes Project 30x 0.00062.
gnomAD v4.1: 6 of 1,208,734 alleles (0.0005%); highest among the groups gnomAD compares: Admixed American, 0.013%; no homozygotes.

Submissions (4):

PreventionGenetics, part of Exact Sciences
Classification: Likely benign for MED12-related condition. Last evaluated: 2024-11-26. Review status: criteria provided, single submitter. Criteria: ACMG Guidelines, 2015. Collection method: clinical testing. Allele origin: germline.
Comment: This variant is classified as likely benign based on ACMG/AMP sequence variant interpretation guidelines (Richards et al. 2015 PMID: 25741868, with internal and published modifications).

Labcorp Genetics (formerly Invitae), Labcorp
Classification: Likely benign for FG syndrome. Last evaluated: 2024-04-24. Review status: criteria provided, single submitter. Criteria: Invitae Variant Classification Sherloc (09022015). Collection method: clinical testing. Allele origin: germline.

Ambry Genetics
Classification: Likely benign for Familial thoracic aortic aneurysm and aortic dissection. Last evaluated: 2022-03-03. Review status: criteria provided, single submitter. Criteria: Ambry Variant Classification Scheme 2023. Collection method: clinical testing. Allele origin: germline.

GeneDx
Classification: Likely benign. Last evaluated: 2019-12-24. Review status: criteria provided, single submitter. Criteria: GeneDx Variant Classification Process June 2021. Collection method: clinical testing. Allele origin: germline. Affected: yes.

NM_005120.3(MED12):c.2172T>C (p.Val724=)

Gene: MED12 (mediator complex subunit 12; plus strand). Cytogenetic location: Xq13.1.
Variant type: single nucleotide variant.
Coding change: c.2172T>C on transcript NM_005120.3 (MANE Select); coding-DNA position 2172, T replaced by C.
Protein change: p.Val724=; no amino-acid change (valine 724 retained).
Molecular consequence: synonymous variant.
Genome position (GRCh38, 1-based): chrX:71,125,092, T>C. VCF-style: chrX-71125092-T-C. GRCh37 (hg19) VCF-style: chrX-70344942-T-C.
Identifiers: ClinVar variation 1193432 (VCV001193432.10), dbSNP rs187478018, ClinGen allele CA10444302.